The following is an entry in ClinVar:

NM_018055.5(NODAL):c.1033G>A (p.Gly345Arg)

Gene: NODAL (nodal growth differentiation factor; minus strand). Cytogenetic location: 10q22.1.
Variant type: single nucleotide variant.
Coding change: c.1033G>A on transcript NM_018055.5 (MANE Select); coding-DNA position 1033, G replaced by A.
Protein change: p.Gly345Arg; replaces glycine 345 with arginine.
Molecular consequence: missense variant.
Genome position (GRCh38, 1-based): chr10:70,432,947, C>T on the plus strand (G>A on the coding strand, the complement: NODAL is on the minus strand). VCF-style: chr10-70432947-C-T. GRCh37 (hg19) VCF-style: chr10-72192703-C-T.
Other names: c.634G>A, p.Gly212Arg (NM_001329906.2); short protein forms G212R, G345R.
Identifiers: ClinVar variation 1803561 (VCV001803561.1), dbSNP rs2493081429, ClinGen allele CA376944821.

ClinVar aggregate classification (germline): Uncertain significance (1 of 4 stars; one submission).

Submission:

GeneDx
Classification: Uncertain significance. Last evaluated: 2022-06-12. Review status: criteria provided, single submitter. Criteria: GeneDx Variant Classification Process June 2021. Collection method: clinical testing. Allele origin: germline. Affected: yes.
Comment: Not observed at significant frequency in large population cohorts (gnomAD); In silico analysis supports that this missense variant has a deleterious effect on protein structure/function; Has not been previously published as pathogenic or benign to our knowledge